The following is an entry in ClinVar:

ClinVar aggregate classification (germline): Uncertain significance. Review status: criteria provided, multiple submitters, no conflicts (2 of 4 stars). 2 submissions from 2 submitters: Uncertain significance (2). Last evaluated 2025-05-18.

Conditions:
Early-infantile DEE. Also called: Ohtahara syndrome; Early infantile epileptic encephalopathy; Early infantile epileptic encephalopathy with suppression bursts. Identifiers: Orphanet 1934, MedGen C0393706, MONDO:0800491.

gnomAD v4.1: 5 of 1,614,170 alleles (0.00031%); highest among the groups gnomAD compares: South Asian, 0.0033%; no homozygotes.

Submissions (2):

GeneDx
Classification: Uncertain significance. Last evaluated: 2025-05-18. Review status: criteria provided, single submitter. Criteria: GeneDx Variant Classification Process June 2021. Collection method: clinical testing. Allele origin: germline. Affected: yes.
Comment: Not observed at significant frequency in large population cohorts (gnomAD); In silico analysis supports that this missense variant does not alter protein structure/function; Has not been previously published as pathogenic or benign to our knowledge; This substitution is predicted to be within the cytoplasmic loop between the first and second homologous domains

Labcorp Genetics (formerly Invitae), Labcorp
Classification: Uncertain significance for Early-infantile DEE. Last evaluated: 2023-06-27. Review status: criteria provided, single submitter. Criteria: Invitae Variant Classification Sherloc (09022015). Collection method: clinical testing. Allele origin: germline.
Comment: This sequence change replaces arginine, which is basic and polar, with lysine, which is basic and polar, at codon 571 of the SCN1A protein (p.Arg571Lys). This variant is not present in population databases (gnomAD no frequency). This variant has not been reported in the literature in individuals affected with SCN1A-related conditions. ClinVar contains an entry for this variant (Variation ID: 1312752). Advanced modeling of protein sequence and biophysical properties (such as structural, functional, and spatial information, amino acid conservation, physicochemical variation, residue mobility, and thermodynamic stability) performed at Invitae indicates that this missense variant is not expected to disrupt SCN1A protein function. In summary, the available evidence is currently insufficient to determine the role of this variant in disease. Therefore, it has been classified as a Variant of Uncertain Significance.

NM_001165963.4(SCN1A):c.1712G>A (p.Arg571Lys)

Gene: SCN1A (sodium voltage-gated channel alpha subunit 1; minus strand). Cytogenetic location: 2q24.3.
Variant type: single nucleotide variant.
Coding change: c.1712G>A on transcript NM_001165963.4 (MANE Select); coding-DNA position 1712, G replaced by A.
Protein change: p.Arg571Lys; replaces arginine 571 with lysine.
Molecular consequence: missense variant. On other transcripts: 5 prime UTR variant (1), non-coding transcript variant (1).
Genome position (GRCh38, 1-based): chr2:166,044,000, C>T on the plus strand (G>A on the coding strand, the complement: SCN1A is on the minus strand). VCF-style: chr2-166044000-C-T. GRCh37 (hg19) VCF-style: chr2-166900510-C-T.
Other names: c.1712G>A, p.Arg571Lys (NM_001165964.3, NM_001202435.3, NM_001353948.2 and 7 more transcripts); c.1709G>A, p.Arg570Lys (NM_001353954.2, NM_001353955.2, NM_001353960.2); c.-714G>A (NM_001353961.2); short protein forms R570K, R571K.
Identifiers: ClinVar variation 1312752 (VCV001312752.7), dbSNP rs1697493699, ClinGen allele CA349067981.